The following is an entry in ClinVar:

ClinVar aggregate classification (germline): Uncertain significance (1 of 4 stars; one submission).

Conditions:
Multiple endocrine neoplasia, type 2 (MEN2). Identifiers: Orphanet 653, MedGen C4048306, MONDO:0019003. Disease mechanism: gain of function.

Submission:

Labcorp Genetics (formerly Invitae), Labcorp
Classification: Uncertain significance for Multiple endocrine neoplasia, type 2. Last evaluated: 2025-05-13. Review status: criteria provided, single submitter. Criteria: Invitae Variant Classification Sherloc (09022015). Collection method: clinical testing. Allele origin: germline.
Comment: This sequence change replaces proline, which is neutral and non-polar, with arginine, which is basic and polar, at codon 399 of the RET protein (p.Pro399Arg). This variant is not present in population databases (gnomAD no frequency). This variant has not been reported in the literature in individuals affected with RET-related conditions. ClinVar contains an entry for this variant (Variation ID: 2064529). An algorithm developed to predict the effect of missense changes on protein structure and function (PolyPhen-2) suggests that this variant is likely to be disruptive. In summary, the available evidence is currently insufficient to determine the role of this variant in disease. Therefore, it has been classified as a Variant of Uncertain Significance.

NM_020975.6(RET):c.1196C>G (p.Pro399Arg)

Gene: RET (ret proto-oncogene; plus strand). Cytogenetic location: 10q11.21.
Variant type: single nucleotide variant.
Coding change: c.1196C>G on transcript NM_020975.6 (MANE Select); coding-DNA position 1196, C replaced by G.
Protein change: p.Pro399Arg; replaces proline 399 with arginine.
Molecular consequence: missense variant.
Genome position (GRCh38, 1-based): chr10:43,109,163, C>G. VCF-style: chr10-43109163-C-G. GRCh37 (hg19) VCF-style: chr10-43604611-C-G.
Other names: c.1067C>G, p.Pro356Arg (NM_001406764.1, NM_001406768.1, NM_001406761.1 and 1 more transcripts); c.1196C>G, p.Pro399Arg (NM_001406765.1, NM_000323.2, NM_001406743.1 and 6 more transcripts); c.908C>G, p.Pro303Arg (NM_001406766.1, NM_001406767.1, NM_001406770.1); c.758C>G, p.Pro253Arg (NM_001406771.1, NM_001406773.1); c.434C>G, p.Pro145Arg (NM_001355216.2); c.470C>G, p.Pro157Arg (NM_001406775.1, NM_001406776.1, NM_001406777.1 and 1 more transcripts); c.206C>G, p.Pro69Arg (NM_001406784.1); short protein forms P356R, P399R, P157R, P303R, P69R, P145R, P253R.
Identifiers: ClinVar variation 2064529 (VCV002064529.4), dbSNP rs1554818362, ClinGen allele CA376547751.